The following is an entry in ClinVar:

ClinVar aggregate classification (germline): Benign/Likely benign. Review status: criteria provided, multiple submitters, no conflicts (2 of 4 stars). 4 submissions from 4 submitters: Benign (2); Likely benign (1). 1 of the submissions does not count toward it. Last evaluated 2026-02-03.

Conditions:
PKD1L1-related disorder. Also called: PKD1L1-related condition.

Allele frequency attached by ClinVar (database versions not stated): ESP Exome Variant Server 0.12250; TOPMed 0.13454; gnomAD 0.14183 and 0.14474; 1000 Genomes Project 0.15315; 1000 Genomes Project 30x 0.15319; gnomAD exomes 0.18516; ExAC 0.22169.

Submissions (4):

Labcorp Genetics (formerly Invitae), Labcorp
Classification: Benign. Last evaluated: 2026-02-03. Review status: criteria provided, single submitter. Criteria: Invitae Variant Classification Sherloc (09022015). Collection method: clinical testing. Allele origin: germline.

Blueprint Genetics
Classification: Likely benign. Last evaluated: 2024-11-27. Review status: criteria provided, single submitter. Criteria: ACMG Guidelines, 2015. Collection method: clinical testing. Allele origin: germline.

GeneDx
Classification: Benign. Last evaluated: 2018-11-12. Review status: criteria provided, single submitter. Criteria: GeneDx Variant Classification Process June 2021. Collection method: clinical testing. Allele origin: germline. Affected: yes.

PreventionGenetics, part of Exact Sciences
Classification: Benign for PKD1L1-related condition. Last evaluated: 2019-03-29. Review status: no assertion criteria provided. Collection method: clinical testing. Allele origin: germline. Not counted in ClinVar's aggregate classification.
Comment: This variant is classified as benign based on ACMG/AMP sequence variant interpretation guidelines (Richards et al. 2015 PMID: 25741868, with internal and published modifications).

NM_138295.5(PKD1L1):c.7373G>A (p.Arg2458Gln)

Genes: PKD1L1 (polycystin 1 like 1, transient receptor potential channel interacting; minus strand), PKD1L1-AS1 (PKD1L1 antisense RNA 1; plus strand). Cytogenetic location: 7p12.3.
Variant type: single nucleotide variant.
Coding change: c.7373G>A on transcript NM_138295.5 (MANE Select); coding-DNA position 7373, G replaced by A.
Protein change: p.Arg2458Gln; replaces arginine 2458 with glutamine.
Molecular consequence: missense variant.
Genome position (GRCh38, 1-based): chr7:47,812,025, C>T on the plus strand (G>A on the coding strand, the complement: PKD1L1 is on the minus strand). VCF-style: chr7-47812025-C-T. GRCh37 (hg19) VCF-style: chr7-47851623-C-T.
Other names: short protein forms R2458Q.
Identifiers: ClinVar variation 1286536 (VCV001286536.9), dbSNP rs73692834, ClinGen allele CA4252031.
Genomic context (GRCh38, chr7:47,812,025, plus strand): 5'-AGAGTGAAGTGCACAGACACAGCCCTGGTGCTGCGGTCAATCCACATGCTGGCCCTGAGT[C>T]GGGACAGGGCTGTGTGGGCTTCAGTCCTGTAAAACAGCACACACTGGGGTAGGGCAGGGC-3'
Protein context (NP_612152.1, residues 2448-2468): TRTEAHTALS[Arg2458Gln]LRASMWIDRS